The following is an entry in ClinVar:

NM_001330260.2(SCN8A):c.372A>G (p.Ile124Met)

Gene: SCN8A (sodium voltage-gated channel alpha subunit 8; plus strand). Cytogenetic location: 12q13.13.
Variant type: single nucleotide variant.
Coding change: c.372A>G on transcript NM_001330260.2 (MANE Select); coding-DNA position 372, A replaced by G.
Protein change: p.Ile124Met; replaces isoleucine 124 with methionine.
Molecular consequence: missense variant.
Genome position (GRCh38, 1-based): chr12:51,684,269, A>G. VCF-style: chr12-51684269-A-G. GRCh37 (hg19) VCF-style: chr12-52078053-A-G.
Other names: c.372A>G, p.Ile124Met (NM_001177984.3, NM_001369788.1, NM_014191.4); short protein forms I124M.
Identifiers: ClinVar variation 1383066 (VCV001383066.9), dbSNP rs574226931, ClinGen allele CA236259323.

ClinVar aggregate classification (germline): Uncertain significance (1 of 4 stars; one submission).

Conditions:
Early-infantile DEE. Also called: Ohtahara syndrome; Early infantile epileptic encephalopathy; Early infantile epileptic encephalopathy with suppression bursts. Identifiers: Orphanet 1934, MedGen C0393706, MONDO:0800491.

Allele frequency attached by ClinVar (database versions not stated): gnomAD exomes below 0.00001; gnomAD 0.00001; 1000 Genomes Project 0.00020; 1000 Genomes Project 30x 0.00031.
gnomAD v4.1: 5 of 1,583,248 alleles (0.00032%); highest among the groups gnomAD compares: African/African-American, 0.004%; no homozygotes.

Submission:

Labcorp Genetics (formerly Invitae), Labcorp
Classification: Uncertain significance for Early-infantile DEE. Last evaluated: 2021-07-05. Review status: criteria provided, single submitter. Criteria: Invitae Variant Classification Sherloc (09022015). Collection method: clinical testing. Allele origin: germline.
Comment: In summary, the available evidence is currently insufficient to determine the role of this variant in disease. Therefore, it has been classified as a Variant of Uncertain Significance. Algorithms developed to predict the effect of missense changes on protein structure and function are either unavailable or do not agree on the potential impact of this missense change (SIFT: "Deleterious"; PolyPhen-2: "Benign"; Align-GVGD: "Class C0"). This variant has not been reported in the literature in individuals affected with SCN8A-related conditions. This variant is not present in population databases (ExAC no frequency). This sequence change replaces isoleucine with methionine at codon 124 of the SCN8A protein (p.Ile124Met). The isoleucine residue is highly conserved and there is a small physicochemical difference between isoleucine and methionine.